The following is an entry in ClinVar:

NM_000719.7(CACNA1C):c.2579G>C (p.Arg860Pro)

Gene: CACNA1C (calcium voltage-gated channel subunit alpha1 C; plus strand). Cytogenetic location: 12p13.33.
Variant type: single nucleotide variant.
Coding change: c.2579G>C on transcript NM_000719.7 (MANE Select); coding-DNA position 2579, G replaced by C.
Protein change: p.Arg860Pro; replaces arginine 860 with proline.
Molecular consequence: missense variant.
Genome position (GRCh38, 1-based): chr12:2,593,261, G>C. VCF-style: chr12-2593261-G-C. GRCh37 (hg19) VCF-style: chr12-2702427-G-C.
Other names: c.2579G>C, p.Arg860Pro (NM_001129827.2, NM_001129829.2, NM_001129830.3 and 18 more transcripts); c.2570G>C, p.Arg857Pro (NM_001129844.2); short protein forms R860P, R857P.
Identifiers: ClinVar variation 180284 (VCV000180284.11), dbSNP rs730880056, ClinGen allele CA346203.

ClinVar aggregate classification (germline): Conflicting classifications of pathogenicity. Review status: criteria provided, conflicting classifications (1 of 4 stars). 3 submissions from 3 submitters: Likely pathogenic (1); Uncertain significance (2). Last evaluated 2019-08-24.

Conditions:
Long QT syndrome (LQTS). Identifiers: MedGen C0023976, MeSH D008133, MONDO:0002442. Disease mechanism: loss of function. Inheritance: Various modes of inheritance.
Timothy syndrome (TS). Also called: LONG QT SYNDROME WITH SYNDACTYLY. Identifiers: Orphanet 65283, MedGen C1832916, MeSH C536962, MONDO:0010979, OMIM 601005.

Submissions (3):

Labcorp Genetics (formerly Invitae), Labcorp
Classification: Uncertain significance for Long QT syndrome. Last evaluated: 2019-08-24. Review status: criteria provided, single submitter. Criteria: Invitae Variant Classification Sherloc (09022015). Collection method: clinical testing. Allele origin: germline.
Comment: In summary, the available evidence is currently insufficient to determine the role of this variant in disease. Therefore, it has been classified as a Variant of Uncertain Significance. This variant disrupts the p.Arg860 amino acid residue in CACNA1C. Other variant(s) that disrupt this residue have been observed in individuals with CACNA1C-related conditions (PMID: 25633834, 28600387), which suggests that this may be a clinically significant amino acid residue. Algorithms developed to predict the effect of missense changes on protein structure and function are either unavailable or do not agree on the potential impact of this missense change (SIFT: "Deleterious"; PolyPhen-2: "Probably Damaging"; Align-GVGD: "Class C0"). This variant has been observed in an individual with clinical features of long QT syndrome (Invitae). ClinVar contains an entry for this variant (Variation ID: 180284). This variant is not present in population databases (ExAC no frequency). This sequence change replaces arginine with proline at codon 860 of the CACNA1C protein (p.Arg860Pro). The arginine residue is highly conserved and there is a moderate physicochemical difference between arginine and proline.

MVZ Martinsried, Medicover Genetics
Classification: Likely pathogenic for Timothy syndrome. Last evaluated: 2018-05-18. Review status: criteria provided, single submitter. Criteria: ACMG Guidelines, 2015. Collection method: clinical testing. Allele origin: unknown. Affected: yes.

Women's Health and Genetics/Laboratory Corporation of America, LabCorp
Classification: Uncertain significance. Last evaluated: 2016-03-07. Review status: criteria provided, single submitter. Criteria: LabCorp Variant Classification Summary - May 2015. Collection method: clinical testing. Allele origin: germline.
Comment: Variant summary: CACNA1C c.2579G>C affects a conserved nucleotide, resulting in amino acid change from Arg to Pro. 3/4 in-silico tools predict this variant to be damaging (SNPs&GO not captured due to low reliability index). Another variant at this codon c.2579G>A (p.Arg860Gln) is classified as likely pathogenic in ClinVar and has been reported in the literature. However, the variant of interest has not been reported in affected individuals via publications and/or reputable databases; nor evaluated for functional impact by in vivo/vitro studies. Additionally, this variant was not found in 116972 control chromosomes. One clinical lab via ClinVar classified this variant as VUS, without evidence to independently evaluate. Because of the absence of clinical information and the lack of functional studies, the variant was classified as a variant of uncertain significance (VUS) until additional information becomes available.

Literature cited by the submitters: PubMed 25633834 (cited by Labcorp Genetics (formerly Invitae), Labcorp); PubMed 28600387 (cited by Labcorp Genetics (formerly Invitae), Labcorp).